The following is an entry in ClinVar:

NM_144573.4(NEXN):c.1228C>T (p.Gln410Ter)

Gene: NEXN (nexilin F-actin binding protein; plus strand). Cytogenetic location: 1p31.1.
Variant type: single nucleotide variant.
Coding change: c.1228C>T on transcript NM_144573.4 (MANE Select); coding-DNA position 1228, C replaced by T.
Protein change: p.Gln410Ter; replaces glutamine 410 with a stop codon.
Molecular consequence: nonsense.
Genome position (GRCh38, 1-based): chr1:77,933,456, C>T. VCF-style: chr1-77933456-C-T. GRCh37 (hg19) VCF-style: chr1-78399141-C-T.
Other names: c.1036C>T, p.Gln346Ter (NM_001172309.2); short protein forms Q410*, Q346*.
Identifiers: ClinVar variation 632115 (VCV000632115.8), dbSNP rs1557988499, ClinGen allele CA340877204.

ClinVar aggregate classification (germline): Conflicting classifications of pathogenicity. Review status: criteria provided, conflicting classifications (1 of 4 stars). 2 submissions from 2 submitters: Pathogenic (1); Uncertain significance (1). Last evaluated 2026-01-15.

Conditions:
Cardiovascular phenotype. Identifiers: MedGen CN230736.
Dilated cardiomyopathy 1CC (CMD1CC). Identifiers: Orphanet 154, MedGen C2751084, MONDO:0013147, OMIM 613122.
Hypertrophic cardiomyopathy 20. Identifiers: MedGen C3151267, MONDO:0013477, OMIM 613876.

Allele frequency attached by ClinVar (database versions not stated): gnomAD exomes below 0.00001.
gnomAD v4.1: 2 of 1,611,262 alleles (0.00012%); highest among the groups gnomAD compares: Non-Finnish European, 0.00017%; no homozygotes.

Submissions (2):

Labcorp Genetics (formerly Invitae), Labcorp
Classification: Pathogenic for Dilated cardiomyopathy 1CC; Hypertrophic cardiomyopathy 20. Last evaluated: 2026-01-15. Review status: criteria provided, single submitter. Criteria: Invitae Variant Classification Sherloc (09022015). Collection method: clinical testing. Allele origin: germline.
Comment: This sequence change creates a premature translational stop signal (p.Gln410*) in the NEXN gene. It is expected to result in an absent or disrupted protein product. Loss-of-function variants in NEXN are known to be pathogenic (PMID: 19881492, 32058062, 32814711, 32870709, 33949776, 38059363, 40680702). This variant is not present in population databases (gnomAD no frequency). This variant has not been reported in the literature in individuals affected with NEXN-related conditions. ClinVar contains an entry for this variant (Variation ID: 632115). For these reasons, this variant has been classified as Pathogenic.

Ambry Genetics
Classification: Uncertain significance for Cardiovascular phenotype. Last evaluated: 2024-05-02. Review status: criteria provided, single submitter. Criteria: Ambry Variant Classification Scheme 2023. Collection method: clinical testing. Allele origin: germline.
Comment: The p.Q410* variant (also known as c.1228C>T), located in coding exon 9 of the NEXN gene, results from a C to T substitution at nucleotide position 1228. This changes the amino acid from a glutamine to a stop codon within coding exon 9. This alteration is expected to result in loss of function by premature protein truncation or nonsense-mediated mRNA decay. Although biallelic loss of function of NEXN has been associated with autosomal recessive NEXN-related cardiomyopathy, haploinsufficiency of NEXN has not been established as a mechanism of disease for autosomal dominant NEXN-related cardiomyopathy. Based on the supporting evidence, this variant is expected to be causative of autosomal recessive NEXN-related cardiomyopathy when present along with a second pathogenic variant on the other allele; however, its clinical significance for autosomal dominant NEXN-related cardiomyopathy is unclear.

Literature cited by the submitters: PubMed 19881492 (cited by Labcorp Genetics (formerly Invitae), Labcorp); PubMed 32058062 (cited by Labcorp Genetics (formerly Invitae), Labcorp); PubMed 32814711 (cited by Labcorp Genetics (formerly Invitae), Labcorp); PubMed 32870709 (cited by Labcorp Genetics (formerly Invitae), Labcorp); PubMed 33949776 (cited by Labcorp Genetics (formerly Invitae), Labcorp); PubMed 38059363 (cited by Labcorp Genetics (formerly Invitae), Labcorp); PubMed 40680702 (cited by Labcorp Genetics (formerly Invitae), Labcorp).